The following is an entry in ClinVar:

NM_002641.4(PIGA):c.329dup (p.Pro111fs)

Gene: PIGA (phosphatidylinositol glycan anchor biosynthesis class A; minus strand). Cytogenetic location: Xp22.2.
Variant type: Duplication.
Coding change: c.329dup on transcript NM_002641.4 (MANE Select); coding-DNA position 329, one base duplicated (T; older notation c.329dupT).
Protein change: p.Pro111fs; shifts the reading frame from proline 111.
Molecular consequence: frameshift variant. On other transcripts: non-coding transcript variant (1), intron variant (1).
Genome position (GRCh38, 1-based): chrX:15,331,602, A duplicated on the plus strand (T on the coding strand, the reverse complement: PIGA is on the minus strand). VCF-style (leftmost placement, unchanged base first): chrX-15331601-C-CA. GRCh37 (hg19) VCF-style: chrX-15349723-C-CA.
Other names: c.13+3899dup (NM_020473.3); short protein forms P111fs.
Identifiers: ClinVar variation 2502426 (VCV002502426.1), dbSNP rs2519331657, ClinGen allele CA2580615387.

ClinVar aggregate classification (germline): Likely pathogenic (0 of 4 stars; one submission).

Conditions:
Paroxysmal nocturnal hemoglobinuria 1 (PNH1). Identifiers: Orphanet 447, MedGen C3806670, MONDO:0010438, OMIM 300818.

Submission:

Pangenia Genomics, Pangenia Inc.
Classification: Likely pathogenic for Paroxysmal nocturnal hemoglobinuria 1. Last evaluated: 2022-12-05. Review status: no assertion criteria provided. Collection method: research. Allele origin: somatic. Inheritance: Somatic mutation. Affected: yes.
Comment: This variant change creates a premature translational stop signal (p.Pro111Alafs*19) in the PIGA gene. It is expected to result in nonsense mediated decay, and an absent or disrupted protein product. Loss-of-function variants in PIGA are known to be pathogenic (PMID: 24706016, 26545172). This variant is absent from the gnomAD v2.1.1 dataset with good coverage of the locus.